The following is an entry in ClinVar:

ClinVar aggregate classification (germline): Uncertain significance (1 of 4 stars; one submission).

Allele frequency attached by ClinVar (database versions not stated): TOPMed below 0.00001; gnomAD 0.00002; gnomAD exomes 0.00002 and 0.00005; ExAC 0.00005.
gnomAD v4.1: 28 of 1,607,184 alleles (0.0017%); highest among the groups gnomAD compares: Non-Finnish European, 0.00017%; no homozygotes.

Submission:

Labcorp Genetics (formerly Invitae), Labcorp
Classification: Uncertain significance. Last evaluated: 2021-07-31. Review status: criteria provided, single submitter. Criteria: Invitae Variant Classification Sherloc (09022015). Collection method: clinical testing. Allele origin: germline.
Comment: This sequence change replaces cysteine with tyrosine at codon 84 of the PDE6B protein (p.Cys84Tyr). The cysteine residue is moderately conserved and there is a large physicochemical difference between cysteine and tyrosine. This variant is present in population databases (rs750393714, ExAC 0.1%). This variant has not been reported in the literature in individuals affected with PDE6B-related conditions. In summary, the available evidence is currently insufficient to determine the role of this variant in disease. Therefore, it has been classified as a Variant of Uncertain Significance. Algorithms developed to predict the effect of missense changes on protein structure and function are either unavailable or do not agree on the potential impact of this missense change (SIFT: "Tolerated"; PolyPhen-2: "Possibly Damaging"; Align-GVGD: "Class C0").

NM_000283.4(PDE6B):c.251G>A (p.Cys84Tyr)

Gene: PDE6B (phosphodiesterase 6B; plus strand). Cytogenetic location: 4p16.3.
Variant type: single nucleotide variant.
Coding change: c.251G>A on transcript NM_000283.4 (MANE Select); coding-DNA position 251, G replaced by A.
Protein change: p.Cys84Tyr; replaces cysteine 84 with tyrosine.
Molecular consequence: missense variant.
Genome position (GRCh38, 1-based): chr4:625,877, G>A. VCF-style: chr4-625877-G-A. GRCh37 (hg19) VCF-style: chr4-619666-G-A.
Other names: c.251G>A, p.Cys84Tyr (NM_001145291.2); short protein forms C84Y.
Identifiers: ClinVar variation 1512024 (VCV001512024.6), dbSNP rs750393714, ClinGen allele CA2793890.
Genomic context (GRCh38, chr4:625,877, plus strand): 5'-AGGATATGCAGGAGAGCATCAACATGGAGCGCGTGGTCTTCAAGGTCCTGCGGCGCCTCT[G>A]CACCCTCCTGCAGGCCGACCGCTGCAGCCTCTTCATGTACCGCCAGCGCAACGGCGTGGC-3'
Protein context (NP_000274.3, residues 74-94): RVVFKVLRRL[Cys84Tyr]TLLQADRCSL